The following is an entry in ClinVar:

ClinVar aggregate classification (germline): Uncertain significance (1 of 4 stars; one submission).

Submission:

Women's Health and Genetics/Laboratory Corporation of America, LabCorp
Classification: Uncertain significance. Last evaluated: 2024-07-22. Review status: criteria provided, single submitter. Criteria: LabCorp Variant Classification Summary - May 2015. Collection method: clinical testing. Allele origin: germline.
Comment: Variant summary: FLNC c.6589C>G (p.Arg2197Gly) results in a non-conservative amino acid change in the encoded protein sequence. Three of five in-silico tools predict a damaging effect of the variant on protein function. The variant was absent in 247018 control chromosomes. The available data on variant occurrences in the general population are insufficient to allow any conclusion about variant significance. To our knowledge, no occurrence of c.6589C>G in individuals affected with Cardiomyopathy and no experimental evidence demonstrating its impact on protein function have been reported. No submitters have cited clinical-significance assessments for this variant to ClinVar. Based on the evidence outlined above, the variant was classified as uncertain significance.

NM_001458.5(FLNC):c.6589C>G (p.Arg2197Gly)

Genes: FLNC (filamin C; plus strand), FLNC-AS1 (FLNC antisense RNA 1; minus strand). Cytogenetic location: 7q32.1.
Variant type: single nucleotide variant.
Coding change: c.6589C>G on transcript NM_001458.5 (MANE Select); coding-DNA position 6589, C replaced by G.
Protein change: p.Arg2197Gly; replaces arginine 2197 with glycine.
Molecular consequence: missense variant.
Genome position (GRCh38, 1-based): chr7:128,854,078, C>G. VCF-style: chr7-128854078-C-G. GRCh37 (hg19) VCF-style: chr7-128494132-C-G.
Other names: c.6490C>G, p.Arg2164Gly (NM_001127487.2); short protein forms R2164G, R2197G.
Identifiers: ClinVar variation 3339416 (VCV003339416.1).
Genomic context (GRCh38, chr7:128,854,078, plus strand): 5'-ACCTTCACACGCAGCAGCCACACCTACACCCGCACGGAGCGCACGGAGATCAGCAAGACG[C>G]GGGGCGGGGAGACAAAGCGCGAGGTGCGGGTGGAGGAGTCCACCCAGGTCGGCGGGGACC-3'
Protein context (NP_001449.3, residues 2187-2207): RTERTEISKT[Arg2197Gly]GGETKREVRV